The following is an entry in ClinVar:

NM_001256545.2(MEGF10):c.1081G>A (p.Gly361Ser)

Gene: MEGF10 (multiple EGF like domains 10; plus strand). Cytogenetic location: 5q23.2.
Variant type: single nucleotide variant.
Coding change: c.1081G>A on transcript NM_001256545.2 (MANE Select); coding-DNA position 1081, G replaced by A.
Protein change: p.Gly361Ser; replaces glycine 361 with serine.
Molecular consequence: missense variant.
Genome position (GRCh38, 1-based): chr5:127,410,552, G>A. VCF-style: chr5-127410552-G-A. GRCh37 (hg19) VCF-style: chr5-126746244-G-A.
Other names: c.1081G>A, p.Gly361Ser (NM_001308119.2, NM_001308121.2, NM_032446.3); short protein forms G361S.
Identifiers: ClinVar variation 904879 (VCV000904879.6), dbSNP rs757939016, ClinGen allele CA3391478.

ClinVar aggregate classification (germline): Uncertain significance. Review status: criteria provided, multiple submitters, no conflicts (2 of 4 stars). 2 submissions from 2 submitters: Uncertain significance (2). Last evaluated 2021-09-29.

Conditions:
MEGF10-related myopathy (CMYO10A). Also called: Congenital myopathy 10A, severe variant. Identifiers: Orphanet 439212, MedGen C3280679, MONDO:0013731, OMIM 614399.

Allele frequency attached by ClinVar (database versions not stated): TOPMed below 0.00001; gnomAD 0.00001; gnomAD exomes 0.00002; ExAC 0.00003.
gnomAD v4.1: 24 of 1,612,282 alleles (0.0015%); highest among the groups gnomAD compares: South Asian, 0.011%; no homozygotes.

Submissions (2):

Labcorp Genetics (formerly Invitae), Labcorp
Classification: Uncertain significance for MEGF10-related myopathy. Last evaluated: 2021-09-29. Review status: criteria provided, single submitter. Criteria: Invitae Variant Classification Sherloc (09022015). Collection method: clinical testing. Allele origin: germline.
Comment: This sequence change replaces glycine with serine at codon 361 of the MEGF10 protein (p.Gly361Ser). The glycine residue is highly conserved and there is a small physicochemical difference between glycine and serine. This variant is present in population databases (rs757939016, ExAC 0.01%). This variant has not been reported in the literature in individuals with MEGF10-related conditions. ClinVar contains an entry for this variant (Variation ID: 904879). Algorithms developed to predict the effect of missense changes on protein structure and function (SIFT, PolyPhen-2, Align-GVGD) all suggest that this variant is likely to be disruptive, but these predictions have not been confirmed by published functional studies and their clinical significance is uncertain. In summary, the available evidence is currently insufficient to determine the role of this variant in disease. Therefore, it has been classified as a Variant of Uncertain Significance.

Illumina Laboratory Services, Illumina
Classification: Uncertain significance for MEGF10-related myopathy. Last evaluated: 2018-01-13. Review status: criteria provided, single submitter. Criteria: ICSL Variant Classification Criteria 13 December 2019. Collection method: clinical testing. Allele origin: germline.